The following is an entry in ClinVar:

ClinVar aggregate classification (germline): Conflicting classifications of pathogenicity. Review status: criteria provided, conflicting classifications (1 of 4 stars). 3 submissions from 3 submitters: Uncertain significance (2); Likely benign (1). Last evaluated 2026-07-19.

Conditions:
Intellectual developmental disorder, X-linked 1. Also called: Atkin Flaitz Patil Smith syndrome; MENTAL RETARDATION, X-LINKED 18; MENTAL RETARDATION, X-LINKED 78; Intellectual disability, X-linked 1. Identifiers: Orphanet 777, MedGen C2931498, MONDO:0010656, OMIM 309530.
Inborn genetic diseases. Identifiers: MedGen C0950123, MeSH D030342.

Allele frequency attached by ClinVar (database versions not stated): gnomAD 0.00001; gnomAD exomes 0.00001; TOPMed 0.00001.
gnomAD v4.1: 14 of 1,160,588 alleles (0.0012%); highest among the groups gnomAD compares: East Asian, 0.0033%; no homozygotes.

Submissions (3):

Ambry Genetics
Classification: Uncertain significance for Inborn genetic diseases. Last evaluated: 2026-07-19. Review status: criteria provided, single submitter. Criteria: Ambry Variant Classification Scheme 2023. Collection method: clinical testing. Allele origin: germline.
Comment: The c.3523C>T (p.R1175C) alteration is located in exon 15 (coding exon 15) of the IQSEC2 gene. This alteration results from a C to T substitution at nucleotide position 3523, causing the arginine (R) at amino acid position 1175 to be replaced by a cysteine (C). Based on data from gnomAD, the T allele has an overall frequency of 0.002% (2/133365) total alleles studied. The highest observed frequency was 0.004% (2/53058) of European (non-Finnish) alleles. Based on insufficient or conflicting evidence, the clinical significance of this alteration remains unclear.

Labcorp Genetics (formerly Invitae), Labcorp
Classification: Likely benign for Intellectual developmental disorder, X-linked 1. Last evaluated: 2025-04-17. Review status: criteria provided, single submitter. Criteria: Invitae Variant Classification Sherloc (09022015). Collection method: clinical testing. Allele origin: germline.

Revvity Omics, Revvity
Classification: Uncertain significance for Intellectual developmental disorder, X-linked 1. Last evaluated: 2020-06-02. Review status: criteria provided, single submitter. Criteria: ACMG Guidelines, 2015. Collection method: clinical testing. Allele origin: germline.

NM_001111125.3(IQSEC2):c.3523C>T (p.Arg1175Cys)

Gene: IQSEC2 (IQ motif and Sec7 domain ArfGEF 2; minus strand). Cytogenetic location: Xp11.22.
Variant type: single nucleotide variant.
Coding change: c.3523C>T on transcript NM_001111125.3 (MANE Select); coding-DNA position 3523, C replaced by T.
Protein change: p.Arg1175Cys; replaces arginine 1175 with cysteine.
Molecular consequence: missense variant. On other transcripts: 3 prime UTR variant (1).
Genome position (GRCh38, 1-based): chrX:53,235,163, G>A on the plus strand (C>T on the coding strand, the complement: IQSEC2 is on the minus strand). VCF-style: chrX-53235163-G-A. GRCh37 (hg19) VCF-style: chrX-53264345-G-A.
Other names: c.*8C>T (NM_015075.2); short protein forms R1175C.
Identifiers: ClinVar variation 833760 (VCV000833760.15), dbSNP rs1300877733, ClinGen allele CA413142753.